The following is an entry in ClinVar:

ClinVar aggregate classification (germline): Conflicting classifications of pathogenicity. Review status: criteria provided, conflicting classifications (1 of 4 stars). 9 submissions from 8 submitters: Uncertain significance (1); Benign (4); Likely benign (4). Last evaluated 2026-01-26.

Conditions:
Charcot-Marie-Tooth disease axonal type 2O. Also called: Charcot-Marie-Tooth disease, axonal, type 20; CHARCOT-MARIE-TOOTH NEUROPATHY, AXONAL, TYPE 2O; CHARCOT-MARIE-TOOTH DISEASE, AXONAL, AUTOSOMAL DOMINANT, TYPE 2O; Charcot-Marie-Tooth Neuropathy Type 2O. Identifiers: Orphanet 284232, MedGen C3280220, MONDO:0013644, OMIM 614228.
Autosomal dominant cerebellar ataxia. Also called: Spinocerebellar Ataxia, Dominant. Identifiers: Orphanet 99, MedGen C4087347, MONDO:0020380.
Inborn genetic diseases. Identifiers: MedGen C0950123, MeSH D030342.
Charcot-Marie-Tooth disease. Also called: Charcot-Marie-Tooth Hereditary Neuropathy; Charcot-Marie-Tooth Neuropathy. Identifiers: Orphanet 166, MedGen C0007959, MONDO:0015626.

Allele frequency attached by ClinVar (database versions not stated): ESP Exome Variant Server 0.00008; gnomAD 0.00016 and 0.00038; TOPMed 0.00023; gnomAD exomes 0.00047 and 0.00072; ExAC 0.00068; 1000 Genomes Project 30x 0.00125; 1000 Genomes Project 0.00160.
gnomAD v4.1: 736 of 1,614,160 alleles (0.046%); highest among the groups gnomAD compares: South Asian, 0.51%; 8 homozygotes.

Submissions (9):

Labcorp Genetics (formerly Invitae), Labcorp
Classification: Benign for Charcot-Marie-Tooth disease axonal type 2O. Last evaluated: 2026-01-26. Review status: criteria provided, single submitter. Criteria: Invitae Variant Classification Sherloc (09022015). Collection method: clinical testing. Allele origin: germline.

Blueprint Genetics
Classification: Likely benign. Last evaluated: 2024-11-19. Review status: criteria provided, single submitter. Criteria: ACMG Guidelines, 2015. Collection method: clinical testing. Allele origin: germline.

CeGaT Center for Human Genetics Tuebingen
Classification: Likely benign. Last evaluated: 2024-06-01. Review status: criteria provided, single submitter. Criteria: CeGaT Center For Human Genetics Tuebingen Variant Classification Criteria Version 2. Collection method: clinical testing. Allele origin: germline. Affected: yes. Observed: 6 variant alleles.
Comment: DYNC1H1: BP4, BP7

Ambry Genetics
Classification: Likely benign for Inborn genetic diseases. Last evaluated: 2018-01-24. Review status: criteria provided, single submitter. Criteria: Ambry Variant Classification Scheme 2023. Collection method: clinical testing. Allele origin: germline.

Illumina Laboratory Services, Illumina
Classification: Benign for Charcot-Marie-Tooth disease axonal type 2O. Last evaluated: 2018-01-13. Review status: criteria provided, single submitter. Criteria: ICSL Variant Classification Criteria 13 December 2019. Collection method: clinical testing. Allele origin: germline.
Comment: This variant was observed in the ICSL laboratory as part of a predisposition screen in an ostensibly healthy population. It had not been previously curated by ICSL or reported in the Human Gene Mutation Database (HGMD: prior to June 1st, 2018), and was therefore a candidate for classification through an automated scoring system. Utilizing variant allele frequency, disease prevalence and penetrance estimates, and inheritance mode, an automated score was calculated to assess if this variant is too frequent to cause the disease. Based on the score and internal cut-off values, a variant classified as benign is not then subjected to further curation. The score for this variant resulted in a classification of benign for this disease.

Illumina Laboratory Services, Illumina
Classification: Benign for Spinocerebellar Ataxia, Dominant. Last evaluated: 2018-01-13. Review status: criteria provided, single submitter. Criteria: ICSL Variant Classification Criteria 13 December 2019. Collection method: clinical testing. Allele origin: germline.
Comment: the same text as in the submission from Illumina Laboratory Services, Illumina above.

GeneDx
Classification: Benign. Last evaluated: 2015-08-26. Review status: criteria provided, single submitter. Criteria: GeneDx Variant Classification (06012015). Collection method: clinical testing. Allele origin: germline. Affected: yes.
Comment: This variant is considered likely benign or benign based on one or more of the following criteria: it is a conservative change, it occurs at a poorly conserved position in the protein, it is predicted to be benign by multiple in silico algorithms, and/or has population frequency not consistent with disease.

Genetic Services Laboratory, University of Chicago
Classification: Uncertain significance. Last evaluated: 2015-02-11. Review status: criteria provided, single submitter. Criteria: ACMG Guidelines, 2015. Collection method: clinical testing. Allele origin: germline.

Molecular Genetics Laboratory, London Health Sciences Centre
Classification: Likely benign for Charcot-Marie-Tooth disease. Review status: criteria provided, single submitter. Criteria: ACMG Guidelines, 2015. Collection method: clinical testing. Allele origin: germline. Affected: yes.

NM_001376.5(DYNC1H1):c.4515G>A (p.Ser1505=)

Gene: DYNC1H1 (dynein cytoplasmic 1 heavy chain 1; plus strand). Cytogenetic location: 14q32.31.
Variant type: single nucleotide variant.
Coding change: c.4515G>A on transcript NM_001376.5 (MANE Select); coding-DNA position 4515, G replaced by A.
Protein change: p.Ser1505=; no amino-acid change (serine 1505 retained).
Molecular consequence: synonymous variant.
Genome position (GRCh38, 1-based): chr14:102,001,654, G>A. VCF-style: chr14-102001654-G-A. GRCh37 (hg19) VCF-style: chr14-102467991-G-A.
Identifiers: ClinVar variation 210870 (VCV000210870.55), dbSNP rs186932188, ClinGen allele CA208793.
Genomic context (GRCh38, chr14:102,001,654, plus strand): 5'-CTTGATCCGTGGCTGGGATGACCTCTTCAACAAGGTCAAAGAACACATCAACAGCGTCTC[G>A]GCCATGAAGCTCTCTCCGTATTACAAGGTGCTGTTGCTGGGGAAGCTTTCCCTCCCCACC-3'
Protein context (NP_001367.2, residues 1495-1515): NKVKEHINSV[Ser1505=]AMKLSPYYKV